The following is an entry in ClinVar:

ClinVar aggregate classification (germline): Uncertain significance. Review status: criteria provided, multiple submitters, no conflicts (2 of 4 stars). 3 submissions from 3 submitters: Uncertain significance (3). Last evaluated 2025-04-25.

Conditions:
Inborn genetic diseases. Identifiers: MedGen C0950123, MeSH D030342.

Allele frequency attached by ClinVar (database versions not stated): gnomAD exomes 0.00006; gnomAD 0.00010; TOPMed 0.00010; 1000 Genomes Project 30x 0.00016; 1000 Genomes Project 0.00020.

Submissions (3):

Ambry Genetics
Classification: Uncertain significance for Inborn genetic diseases. Last evaluated: 2025-04-25. Review status: criteria provided, single submitter. Criteria: Ambry Variant Classification Scheme 2023. Collection method: clinical testing. Allele origin: germline.

Labcorp Genetics (formerly Invitae), Labcorp
Classification: Uncertain significance. Last evaluated: 2024-12-23. Review status: criteria provided, single submitter. Criteria: Invitae Variant Classification Sherloc (09022015). Collection method: clinical testing. Allele origin: germline.
Comment: This sequence change replaces threonine, which is neutral and polar, with methionine, which is neutral and non-polar, at codon 146 of the DNAJC21 protein (p.Thr146Met). This variant is present in population databases (rs548344713, gnomAD 0.03%). This variant has not been reported in the literature in individuals affected with DNAJC21-related conditions. ClinVar contains an entry for this variant (Variation ID: 1398573). An algorithm developed to predict the effect of missense changes on protein structure and function (PolyPhen-2) suggests that this variant¬†is likely to be tolerated. In summary, the available evidence is currently insufficient to determine the role of this variant in disease. Therefore, it has been classified as a Variant of Uncertain Significance.

Blueprint Genetics
Classification: Uncertain significance. Last evaluated: 2024-11-13. Review status: criteria provided, single submitter. Criteria: ACMG Guidelines, 2015. Collection method: clinical testing. Allele origin: germline.

NM_001012339.3(DNAJC21):c.437C>T (p.Thr146Met)

Gene: DNAJC21 (DnaJ heat shock protein family (Hsp40) member C21; plus strand). Cytogenetic location: 5p13.2.
Variant type: single nucleotide variant.
Coding change: c.437C>T on transcript NM_001012339.3 (MANE Select); coding-DNA position 437, C replaced by T.
Protein change: p.Thr146Met; replaces threonine 146 with methionine.
Molecular consequence: missense variant.
Genome position (GRCh38, 1-based): chr5:34,936,265, C>T. VCF-style: chr5-34936265-C-T. GRCh37 (hg19) VCF-style: chr5-34936370-C-T.
Other names: c.437C>T (NM_194283.3); c.437C>T, p.Thr146Met (NM_001348420.2, NM_194283.4); short protein forms T146M.
Identifiers: ClinVar variation 1398573 (VCV001398573.9), dbSNP rs548344713, ClinGen allele CA3228445.
Genomic context (GRCh38, chr5:34,936,265, plus strand): 5'-TGTTAGAGGAAGAGGTTGATGATTTCCCAACTTTTGGAGACTCCCAGAGTGACTATGATA[C>T]GGTAAAATAAAAATGCATTGTTCTATAATTAGTATTTATCACTGTGTCATTTTTAAATTT-3'
Protein context (NP_001012339.2, residues 136-156): TFGDSQSDYD[Thr146Met]VVHPFYAYWQ